The following is an entry in ClinVar:

ClinVar aggregate classification (germline): Uncertain significance (1 of 4 stars; one submission).

gnomAD v4.1: 1 of 1,607,266 alleles (0.000062%); highest among the groups gnomAD compares: Non-Finnish European, 0.000085%; no homozygotes.

Submission:

GeneDx
Classification: Uncertain significance. Last evaluated: 2022-11-28. Review status: criteria provided, single submitter. Criteria: GeneDx Variant Classification Process June 2021. Collection method: clinical testing. Allele origin: germline. Affected: yes.
Comment: Not observed at significant frequency in large population cohorts (gnomAD); In silico analysis supports that this missense variant does not alter protein structure/function; Has not been previously published as pathogenic or benign to our knowledge

NM_001170629.2(CHD8):c.5603C>A (p.Pro1868His)

Gene: CHD8 (chromodomain helicase DNA binding protein 8; minus strand). Cytogenetic location: 14q11.2.
Variant type: single nucleotide variant.
Coding change: c.5603C>A on transcript NM_001170629.2 (MANE Select); coding-DNA position 5603, C replaced by A.
Protein change: p.Pro1868His; replaces proline 1868 with histidine.
Molecular consequence: missense variant.
Genome position (GRCh38, 1-based): chr14:21,394,192, G>T on the plus strand (C>A on the coding strand, the complement: CHD8 is on the minus strand). VCF-style: chr14-21394192-G-T. GRCh37 (hg19) VCF-style: chr14-21862351-G-T.
Other names: c.4766C>A, p.Pro1589His (NM_020920.4); short protein forms P1589H, P1868H.
Identifiers: ClinVar variation 2503362 (VCV002503362.1), dbSNP rs368662607, ClinGen allele CA388882608.